The following is an entry in ClinVar:

NC_000007.13:g.(?_33185865)_(33185996_?)del

Gene: BBS9 (Bardet-Biedl syndrome 9; plus strand). Cytogenetic location: 7p14.3.
Variant type: Deletion.
Identifiers: ClinVar variation 3245732 (VCV003245732.1).

ClinVar aggregate classification (germline): Pathogenic (1 of 4 stars; one submission).

Conditions:
Bardet-Biedl syndrome (BBS). Identifiers: Orphanet 110, MedGen C0752166, MONDO:0015229.

Submission:

Labcorp Genetics (formerly Invitae), Labcorp
Classification: Pathogenic for Bardet-Biedl syndrome. Last evaluated: 2023-11-19. Review status: criteria provided, single submitter. Criteria: Invitae Variant Classification Sherloc (09022015). Collection method: clinical testing. Allele origin: unknown.
Comment: This variant is a gross deletion of the genomic region encompassing exon(s) 2 of the BBS9 gene, which includes the initiator codon. This deletion extends beyond the assayed region for this gene and therefore may encompass additional genes. It is expected to result in an absent or disrupted protein product. Loss-of-function variants in BBS9 are known to be pathogenic (PMID: 16380913, 20177705). This variant has not been reported in the literature in individuals affected with BBS9-related conditions. For these reasons, this variant has been classified as Pathogenic.

Literature cited by the submitters: PubMed 16380913; PubMed 20177705.